The following is an entry in ClinVar:

NM_006030.4(CACNA2D2):c.1215C>G (p.Asp405Glu)

Gene: CACNA2D2 (calcium voltage-gated channel auxiliary subunit alpha2delta 2; minus strand). Cytogenetic location: 3p21.31.
Variant type: single nucleotide variant.
Coding change: c.1215C>G on transcript NM_006030.4 (MANE Select); coding-DNA position 1215, C replaced by G.
Protein change: p.Asp405Glu; replaces aspartic acid 405 with glutamic acid.
Molecular consequence: missense variant.
Genome position (GRCh38, 1-based): chr3:50,379,137, G>C on the plus strand (C>G on the coding strand, the complement: CACNA2D2 is on the minus strand). VCF-style: chr3-50379137-G-C. GRCh37 (hg19) VCF-style: chr3-50416568-G-C.
Other names: c.1215C>G, p.Asp405Glu (NM_001005505.3, NM_001174051.3); c.1008C>G, p.Asp336Glu (NM_001291101.1); short protein forms D405E, D336E.
Identifiers: ClinVar variation 954992 (VCV000954992.5), dbSNP rs756209511, ClinGen allele CA2418947.

ClinVar aggregate classification (germline): Uncertain significance (1 of 4 stars; one submission).

Conditions:
Developmental and epileptic encephalopathy. Identifiers: MedGen C5779964, MONDO:0100620.

Allele frequency attached by ClinVar (database versions not stated): ExAC 0.00001; gnomAD exomes 0.00001; TOPMed 0.00001.
gnomAD v4.1: 7 of 1,614,010 alleles (0.00043%); highest among the groups gnomAD compares: Non-Finnish European, 0.00059%; no homozygotes.

Submission:

Labcorp Genetics (formerly Invitae), Labcorp
Classification: Uncertain significance for Early-infantile DEE. Last evaluated: 2021-09-01. Review status: criteria provided, single submitter. Criteria: Invitae Variant Classification Sherloc (09022015). Collection method: clinical testing. Allele origin: germline.
Comment: This sequence change replaces aspartic acid with glutamic acid at codon 405 of the CACNA2D2 protein (p.Asp405Glu). The aspartic acid residue is moderately conserved and there is a small physicochemical difference between aspartic acid and glutamic acid. This variant is present in population databases (rs756209511, ExAC 0.002%). This variant has not been reported in the literature in individuals affected with CACNA2D2-related conditions. Algorithms developed to predict the effect of missense changes on protein structure and function are either unavailable or do not agree on the potential impact of this missense change (SIFT: "Tolerated"; PolyPhen-2: "Possibly Damaging"; Align-GVGD: "Class C0"). In summary, the available evidence is currently insufficient to determine the role of this variant in disease. Therefore, it has been classified as a Variant of Uncertain Significance.